The following is an entry in ClinVar:

ClinVar aggregate classification (germline): Likely benign. Review status: criteria provided, multiple submitters, no conflicts (2 of 4 stars). 4 submissions from 4 submitters: Likely benign (2). 2 of the submissions do not count toward it. Last evaluated 2025-12-03.

Conditions:
Dilated cardiomyopathy 1W (CMD1W). Identifiers: Orphanet 154, MedGen C1969639, MONDO:0012667, OMIM 611407.

Allele frequency attached by ClinVar (database versions not stated): TOPMed 0.00001.

Submissions (4):

Labcorp Genetics (formerly Invitae), Labcorp
Classification: Likely benign for Dilated cardiomyopathy 1W. Last evaluated: 2025-12-03. Review status: criteria provided, single submitter. Criteria: Invitae Variant Classification Sherloc (09022015). Collection method: clinical testing. Allele origin: germline.

Laboratory for Molecular Medicine, Mass General Brigham Personalized Medicine
Classification: Likely benign. Last evaluated: 2016-06-24. Review status: criteria provided, single submitter. Criteria: LMM Criteria. Collection method: clinical testing. Allele origin: germline. Observed: 1 variant allele.
Comment: c.168+9G>T in intron 1 of VCL: This variant is not expected to have clinical sig nificance because it is not located within the splice consensus sequence.

Clinical Genetics DNA and cytogenetics Diagnostics Lab, Erasmus MC, Erasmus Medical Center
Classification: Likely benign. Review status: no assertion criteria provided. Collection method: clinical testing. Allele origin: germline. Affected: yes. Study: VKGL Data-share Consensus. Not counted in ClinVar's aggregate classification.

Clinical Genetics, Academic Medical Center
Classification: Benign. Review status: no assertion criteria provided. Collection method: clinical testing. Allele origin: germline. Affected: yes. Study: VKGL Data-share Consensus. Not counted in ClinVar's aggregate classification.

NM_014000.3(VCL):c.168+9G>T

Gene: VCL (vinculin; plus strand). Cytogenetic location: 10q22.2.
Variant type: single nucleotide variant.
Coding change: c.168+9G>T on transcript NM_014000.3 (MANE Select); 9 bases into the intron after coding-DNA position 168, G replaced by T.
Molecular consequence: intron variant.
Genome position (GRCh38, 1-based): chr10:73,998,384, G>T. VCF-style: chr10-73998384-G-T. GRCh37 (hg19) VCF-style: chr10-75758142-G-T.
Other names: c.168+9G>T (NM_003373.4).
Identifiers: ClinVar variation 505151 (VCV000505151.14), dbSNP rs997516030, ClinGen allele CA209683618.